The following is an entry in ClinVar:

NM_022726.4(ELOVL4):c.617C>A (p.Pro206Gln)

Gene: ELOVL4 (ELOVL fatty acid elongase 4; minus strand). Cytogenetic location: 6q14.1.
Variant type: single nucleotide variant.
Coding change: c.617C>A on transcript NM_022726.4 (MANE Select); coding-DNA position 617, C replaced by A.
Protein change: p.Pro206Gln; replaces proline 206 with glutamine.
Molecular consequence: missense variant.
Genome position (GRCh38, 1-based): chr6:79,919,472, G>T on the plus strand (C>A on the coding strand, the complement: ELOVL4 is on the minus strand). VCF-style: chr6-79919472-G-T. GRCh37 (hg19) VCF-style: chr6-80629189-G-T.
Other names: short protein forms P206Q.
Identifiers: ClinVar variation 935522 (VCV000935522.9), dbSNP rs776979397, ClinGen allele CA3901497.
Genomic context (GRCh38, chr6:79,919,472, plus strand): 5'-TAACTCACCAGTTGCAACATAGTCAGGTATCGTTTCCACCAAAGATATTTCTGAATCCAT[G>T]GGCCAAATGCAGTTAACCCATAGTATGAGTACATAATCACATGGATAAAGGAATTCAACT-3'
Protein context (NP_073563.1, residues 196-216): YSYYGLTAFG[Pro206Gln]WIQKYLWWKR

ClinVar aggregate classification (germline): Uncertain significance (1 of 4 stars; one submission).

Allele frequency attached by ClinVar (database versions not stated): TOPMed 0.00001; ExAC 0.00002; gnomAD 0.00002; gnomAD exomes 0.00003.
gnomAD v4.1: 9 of 1,613,520 alleles (0.00056%); highest among the groups gnomAD compares: East Asian, 0.02%; no homozygotes.

Submission:

Labcorp Genetics (formerly Invitae), Labcorp
Classification: Uncertain significance. Last evaluated: 2026-01-25. Review status: criteria provided, single submitter. Criteria: Invitae Variant Classification Sherloc (09022015). Collection method: clinical testing. Allele origin: germline.
Comment: This sequence change replaces proline, which is neutral and non-polar, with glutamine, which is neutral and polar, at codon 206 of the ELOVL4 protein (p.Pro206Gln). This variant is present in population databases (rs776979397, gnomAD 0.04%). This missense change has been observed in individual(s) with ELOVL4-related conditions (PMID: 33608557, 37273706). ClinVar contains an entry for this variant (Variation ID: 935522). Invitae Evidence Modeling of protein sequence and biophysical properties (such as structural, functional, and spatial information, amino acid conservation, physicochemical variation, residue mobility, and thermodynamic stability) indicates that this missense variant is expected to disrupt ELOVL4 protein function with a positive predictive value of 80%. In summary, the available evidence is currently insufficient to determine the role of this variant in disease. Therefore, it has been classified as a Variant of Uncertain Significance.

Literature cited by the submitters: PubMed 33608557; PubMed 37273706.